The following is an entry in ClinVar:

NM_001290321.3(DMXL1):c.5398+8G>A

Gene: DMXL1 (Dmx like 1; plus strand). Cytogenetic location: 5q23.1.
Variant type: single nucleotide variant.
Coding change: c.5398+8G>A on transcript NM_001290321.3 (MANE Select); 8 bases into the intron after coding-DNA position 5398, G replaced by A.
Molecular consequence: intron variant.
Genome position (GRCh38, 1-based): chr5:119,167,872, G>A. VCF-style: chr5-119167872-G-A. GRCh37 (hg19) VCF-style: chr5-118503567-G-A.
Other names: c.5398+8G>A (NM_001349240.2, NM_005509.6, NM_001349239.2 and 2 more transcripts); c.4411+8G>A (NM_001387938.1); c.4693+8G>A (NM_001387937.1).
Identifiers: ClinVar variation 3033313 (VCV003033313.2), dbSNP rs111360499, ClinGen allele CA3380362.

ClinVar aggregate classification (germline): Benign (0 of 4 stars; one submission).

Conditions:
DMXL1-related disorder. Also called: DMXL1-related condition.

Allele frequency attached by ClinVar (database versions not stated): ExAC 0.00076; ESP Exome Variant Server 0.00246; 1000 Genomes Project 0.00319; 1000 Genomes Project 30x 0.00344.
gnomAD v4.1: 910 of 1,608,408 alleles (0.057%); highest among the groups gnomAD compares: African/African-American, 0.85%; 3 homozygotes.

Submission:

PreventionGenetics, part of Exact Sciences
Classification: Benign for DMXL1-related condition. Last evaluated: 2019-06-17. Review status: no assertion criteria provided. Collection method: clinical testing. Allele origin: germline.
Comment: This variant is classified as benign based on ACMG/AMP sequence variant interpretation guidelines (Richards et al. 2015 PMID: 25741868, with internal and published modifications).